The following is an entry in ClinVar:

ClinVar aggregate classification (germline): Uncertain significance (1 of 4 stars; one submission).

Submission:

GeneDx
Classification: Uncertain significance. Last evaluated: 2025-03-02. Review status: criteria provided, single submitter. Criteria: GeneDx Variant Classification Process June 2021. Collection method: clinical testing. Allele origin: germline. Affected: yes.
Comment: Not observed at significant frequency in large population cohorts (gnomAD); In silico analysis supports that this missense variant has a deleterious effect on protein structure/function; Has not been previously published as pathogenic or benign to our knowledge

NM_001378452.1(ITPR1):c.2521G>A (p.Val841Met)

Gene: ITPR1 (inositol 1,4,5-trisphosphate receptor type 1; plus strand). Cytogenetic location: 3p26.1.
Variant type: single nucleotide variant.
Coding change: c.2521G>A on transcript NM_001378452.1 (MANE Select); coding-DNA position 2521, G replaced by A.
Protein change: p.Val841Met; replaces valine 841 with methionine.
Molecular consequence: missense variant.
Genome position (GRCh38, 1-based): chr3:4,674,266, G>A. VCF-style: chr3-4674266-G-A. GRCh37 (hg19) VCF-style: chr3-4715950-G-A.
Other names: c.2521G>A, p.Val841Met (NM_001099952.4); c.2476G>A, p.Val826Met (NM_001168272.2, NM_002222.7); short protein forms V826M, V841M.
Identifiers: ClinVar variation 4082680 (VCV004082680.1).